The following is an entry in ClinVar:

ClinVar aggregate classification (germline): Uncertain significance (1 of 4 stars; one submission).

Conditions:
Nemaline myopathy 2 (NEM2). Also called: Nemaline myopathy 2, autosomal recessive. Identifiers: MedGen C1850569, MONDO:0009725, OMIM 256030.

Submission:

Labcorp Genetics (formerly Invitae), Labcorp
Classification: Uncertain significance for Nemaline myopathy 2. Last evaluated: 2020-12-29. Review status: criteria provided, single submitter. Criteria: Invitae Variant Classification Sherloc (09022015). Collection method: clinical testing. Allele origin: germline.
Comment: This sequence change replaces methionine with valine at codon 2821 of the NEB protein (p.Met2821Val). The methionine residue is moderately conserved and there is a small physicochemical difference between methionine and valine. This variant is not present in population databases (ExAC no frequency). This variant has not been reported in the literature in individuals with NEB-related conditions. Algorithms developed to predict the effect of missense changes on protein structure and function are either unavailable or do not agree on the potential impact of this missense change (SIFT: "Deleterious"; PolyPhen-2: "Not Available"; Align-GVGD: "Class C0"). In summary, the available evidence is currently insufficient to determine the role of this variant in disease. Therefore, it has been classified as a Variant of Uncertain Significance.

NM_001164508.2(NEB):c.8461A>G (p.Met2821Val)

Gene: NEB (nebulin; minus strand). Cytogenetic location: 2q23.3.
Variant type: single nucleotide variant.
Coding change: c.8461A>G on transcript NM_001164508.2 (MANE Select); coding-DNA position 8461, A replaced by G.
Protein change: p.Met2821Val; replaces methionine 2821 with valine.
Molecular consequence: missense variant.
Genome position (GRCh38, 1-based): chr2:151,640,579, T>C on the plus strand (A>G on the coding strand, the complement: NEB is on the minus strand). VCF-style: chr2-151640579-T-C. GRCh37 (hg19) VCF-style: chr2-152497093-T-C.
Other names: c.8461A>G, p.Met2821Val (NM_001164507.2, NM_001271208.2, NM_004543.5); short protein forms M2821V.
Identifiers: ClinVar variation 1362860 (VCV001362860.8), dbSNP rs2098834032, ClinGen allele CA348811311.